The following is an entry in ClinVar:

NM_174936.4(PCSK9):c.1026A>G (p.Gln342=)

Gene: PCSK9 (proprotein convertase subtilisin/kexin type 9; plus strand). Cytogenetic location: 1p32.3.
Variant type: single nucleotide variant.
Coding change: c.1026A>G on transcript NM_174936.4 (MANE Select); coding-DNA position 1026, A replaced by G.
Protein change: p.Gln342=; no amino-acid change (glutamine 342 retained).
Molecular consequence: synonymous variant. On other transcripts: non-coding transcript variant (7).
Genome position (GRCh38, 1-based): chr1:55,057,360, A>G. VCF-style: chr1-55057360-A-G. GRCh37 (hg19) VCF-style: chr1-55523033-A-G.
Other names: p.Gln342=; c.1149A>G, p.Gln383= (NM_001407240.1); c.1026A>G, p.Gln342= (NM_001407241.1, NM_001407244.1, NM_001407247.1); c.1029A>G, p.Gln343= (NM_001407242.1); c.969A>G, p.Gln323= (NM_001407243.1); c.834A>G, p.Gln278= (NM_001407245.1); c.651A>G, p.Gln217= (NM_001407246.1).
Identifiers: ClinVar variation 262899 (VCV000262899.44), dbSNP rs509504, ClinGen allele CA034691.

ClinVar aggregate classification (germline): Conflicting classifications of pathogenicity. Review status: criteria provided, conflicting classifications (1 of 4 stars). 19 submissions from 18 submitters: Uncertain significance (1); Benign (14). 4 of the submissions do not count toward it. Last evaluated 2026-02-04.

Conditions:
Cardiovascular phenotype. Identifiers: MedGen CN230736.
Familial hypercholesterolemia. Also called: Familial hypercholesterolemias; Familial hypercholesterolaemia. Identifiers: MedGen C0020445, MONDO:0005439.
Hypobetalipoproteinemia. Identifiers: Orphanet 31154, MedGen C0020597, MONDO:0017774.
Hypercholesterolemia, autosomal dominant, 3 (FHCL3). Also called: Familial Hypercholesterolemia, Autosomal Dominant, 3; Familial hypercholesterolemia 3; PCSK9-Related Familial Hypercholesterolemia, Autosomal Dominant. Identifiers: MedGen C1863551, MONDO:0011369, OMIM 603776.
Hypercholesterolemia, familial, 1. Also called: HYPERCHOLESTEROLEMIA, FAMILIAL, MODIFIER OF; LDL RECEPTOR DISORDER; Hyperlipoproteinemia Type IIa; HYPER-LOW-DENSITY-LIPOPROTEINEMIA; HYPERCHOLESTEROLEMIC XANTHOMATOSIS, FAMILIAL; Fredrickson type IIa hyperlipoproteinemia. Identifiers: Orphanet 391665, MedGen C0745103, MONDO:0007750, OMIM 143890.

Allele frequency attached by ClinVar (database versions not stated): ESP Exome Variant Server 0.97970; 1000 Genomes Project 30x 0.98017; TOPMed 0.98131; 1000 Genomes Project 0.98183; gnomAD 0.98223 and 0.98339; ExAC 0.99454; gnomAD exomes 0.99559 and 0.99841.
gnomAD v4.1: 1,609,105 of 1,614,038 alleles (100%); highest among the groups gnomAD compares: East Asian, 100%; 802,215 homozygotes.

Submissions (19):

Labcorp Genetics (formerly Invitae), Labcorp
Classification: Benign for Hypercholesterolemia, autosomal dominant, 3. Last evaluated: 2026-02-04. Review status: criteria provided, single submitter. Criteria: Invitae Variant Classification Sherloc (09022015). Collection method: clinical testing. Allele origin: germline.

ARUP Laboratories, Molecular Genetics and Genomics, ARUP Laboratories
Classification: Benign. Last evaluated: 2025-07-30. Review status: criteria provided, single submitter. Criteria: ARUP Molecular Germline Variant Investigation Process 2024. Collection method: clinical testing. Allele origin: germline.

Molecular Diagnostic Laboratory for Inherited Cardiovascular Disease, Montreal Heart Institute
Classification: Benign. Last evaluated: 2025-04-09. Review status: criteria provided, single submitter. Criteria: ACMG Guidelines, 2015. Collection method: clinical testing. Allele origin: germline. Affected: no.

Blueprint Genetics
Classification: Benign. Last evaluated: 2024-11-26. Review status: criteria provided, single submitter. Criteria: ACMG Guidelines, 2015. Collection method: clinical testing. Allele origin: germline.

All of Us Research Program, National Institutes of Health
Classification: Benign for Hypercholesterolemia, autosomal dominant, 3. Last evaluated: 2024-10-03. Review status: criteria provided, single submitter. Criteria: ACMG Guidelines, 2015. Collection method: clinical testing. Allele origin: germline. Inheritance: Autosomal dominant inheritance. Observed: 143,435 variant alleles, 1,420 heterozygotes, 141,983 homozygotes, 32 hemizygotes.
Comment: This study involves interpretation of variants in research participants for the purpose of population health screening. Participant phenotype was not available at the time of variant classification. Additional details can be found in publication PMID: 35346344, PMCID: PMC8962531

GENinCode PLC
Classification: Benign for Familial hypercholesterolemia. Last evaluated: 2022-07-01. Review status: criteria provided, single submitter. Criteria: ACMG Guidelines, 2015. Collection method: clinical testing. Allele origin: germline.

Genome-Nilou Lab
Classification: Benign for Hypercholesterolemia, autosomal dominant, 3. Last evaluated: 2021-09-05. Review status: criteria provided, single submitter. Criteria: ACMG Guidelines, 2015. Collection method: clinical testing. Allele origin: germline. Affected: no.

Illumina Laboratory Services, Illumina
Classification: Benign for Hypobetalipoproteinemia. Last evaluated: 2018-01-12. Review status: criteria provided, single submitter. Criteria: ICSL Variant Classification Criteria 13 December 2019. Collection method: clinical testing. Allele origin: germline.
Comment: This variant was observed in the ICSL laboratory as part of a predisposition screen in an ostensibly healthy population. It had not been previously curated by ICSL or reported in the Human Gene Mutation Database (HGMD: prior to June 1st, 2018), and was therefore a candidate for classification through an automated scoring system. Utilizing variant allele frequency, disease prevalence and penetrance estimates, and inheritance mode, an automated score was calculated to assess if this variant is too frequent to cause the disease. Based on the score and internal cut-off values, a variant classified as benign is not then subjected to further curation. The score for this variant resulted in a classification of benign for this disease.

Illumina Laboratory Services, Illumina
Classification: Benign for Hypercholesterolemia, autosomal dominant, 3. Last evaluated: 2018-01-12. Review status: criteria provided, single submitter. Criteria: ICSL Variant Classification Criteria 13 December 2019. Collection method: clinical testing. Allele origin: germline.
Comment: the same text as in the submission from Illumina Laboratory Services, Illumina above.

Color Diagnostics, LLC DBA Color Health
Classification: Benign for Familial hypercholesterolemia. Last evaluated: 2017-06-02. Review status: criteria provided, single submitter. Criteria: ACMG Guidelines, 2015. Collection method: clinical testing. Allele origin: germline.

GeneDx
Classification: Benign. Last evaluated: 2016-09-30. Review status: criteria provided, single submitter. Criteria: GeneDx Variant Classification (06012015). Collection method: clinical testing. Allele origin: germline. Affected: yes.
Comment: This variant is considered likely benign or benign based on one or more of the following criteria: it is a conservative change, it occurs at a poorly conserved position in the protein, it is predicted to be benign by multiple in silico algorithms, and/or has population frequency not consistent with disease.

Cardiovascular Research Group, Instituto Nacional de Saude Doutor Ricardo Jorge
Classification: Uncertain significance for Familial hypercholesterolemia. Last evaluated: 2016-03-01. Review status: criteria provided, single submitter. Criteria: ACMG Guidelines, 2015. Collection method: research. Allele origin: germline. Affected: yes.

Ambry Genetics
Classification: Benign for Cardiovascular phenotype. Last evaluated: 2015-12-08. Review status: criteria provided, single submitter. Criteria: Ambry Variant Classification Scheme 2023. Collection method: clinical testing. Allele origin: germline.

Mayo Clinic Laboratories, Mayo Clinic
Classification: Benign. Last evaluated: 2014-02-05. Review status: criteria provided, single submitter. Criteria: ACMG Guidelines, 2015. Collection method: clinical testing. Allele origin: germline. Observed: 1,312 variant alleles.

PreventionGenetics, part of Exact Sciences
Classification: Benign. Review status: criteria provided, single submitter. Criteria: ACMG Guidelines, 2015. Collection method: clinical testing. Allele origin: germline.

Cohesion Phenomics
Classification: Benign for Familial hypercholesterolemia. Last evaluated: 2023-02-09. Review status: no assertion criteria provided. Criteria: ACMG Guidelines, 2015. Collection method: clinical testing. Allele origin: germline. Affected: yes. Not counted in ClinVar's aggregate classification.

Clinical Genetics, Academic Medical Center
Classification: Benign. Review status: no assertion criteria provided. Collection method: clinical testing. Allele origin: germline. Affected: yes. Study: VKGL Data-share Consensus. Not counted in ClinVar's aggregate classification.

Diagnostic Laboratory, Department of Genetics, University Medical Center Groningen
Classification: Benign for Hypercholesterolemia, autosomal dominant, 3. Review status: no assertion criteria provided. Collection method: clinical testing. Allele origin: germline. Affected: yes. Study: VKGL Data-share Consensus. Not counted in ClinVar's aggregate classification.

Laboratorium voor Moleculaire Diagnostiek Experimentele Vasculaire Geneeskunde, Academisch Medisch Centrum
Classification: Benign for Familial hypercholesterolemia. Review status: no assertion criteria provided. Collection method: research. Allele origin: germline. Not counted in ClinVar's aggregate classification.